The following is an entry in ClinVar:

ClinVar aggregate classification (germline): Uncertain significance (1 of 4 stars; one submission).

Submission:

Labcorp Genetics (formerly Invitae), Labcorp
Classification: Uncertain significance. Last evaluated: 2024-03-19. Review status: criteria provided, single submitter. Criteria: Invitae Variant Classification Sherloc (09022015). Collection method: clinical testing. Allele origin: germline.
Comment: This variant, c.268_285dup, results in the insertion of 6 amino acid(s) of the ARID1A protein (p.Ser90_Gly95dup), but otherwise preserves the integrity of the reading frame. This variant is not present in population databases (gnomAD no frequency). This variant has not been reported in the literature in individuals affected with ARID1A-related conditions. In summary, the available evidence is currently insufficient to determine the role of this variant in disease. Therefore, it has been classified as a Variant of Uncertain Significance.

NM_006015.6(ARID1A):c.268_285dup (p.Gly95_Ala96insSerGlyGlyGlyProGly)

Gene: ARID1A (AT-rich interaction domain 1A; plus strand). Cytogenetic location: 1p36.11.
Variant type: Duplication.
Coding change: c.268_285dup on transcript NM_006015.6 (MANE Select); coding-DNA positions 268 to 285, 18 bases duplicated (AGCGGCGGCGGGCCCGGC).
Protein change: p.Gly95_Ala96insSerGlyGlyGlyProGly.
Molecular consequence: inframe insertion.
Genome position (GRCh38, 1-based): chr1:26,696,671-26,696,688, AGCGGCGGCGGGCCCGGC duplicated; duplicating any 18 consecutive bases within chr1:26,696,666-26,696,688 gives the same sequence; the c. name uses the placement nearest the transcript's 3' end. VCF-style (leftmost placement, unchanged base first): chr1-26696665-G-GCCGGCAGCGGCGGCGGGC. GRCh37 (hg19) VCF-style: chr1-27023156-G-GCCGGCAGCGGCGGCGGGC.
Other names: c.268_285dup, p.Gly95_Ala96insSerGlyGlyGlyProGly (NM_139135.4).
Identifiers: ClinVar variation 2974941 (VCV002974941.3), dbSNP rs1198497895, ClinGen allele CA999840027.